The following is an entry in ClinVar:

NM_021116.4(ADCY1):c.523G>A (p.Ala175Thr)

Gene: ADCY1 (adenylate cyclase 1; plus strand). Cytogenetic location: 7p12.3.
Variant type: single nucleotide variant.
Coding change: c.523G>A on transcript NM_021116.4 (MANE Select); coding-DNA position 523, G replaced by A.
Protein change: p.Ala175Thr; replaces alanine 175 with threonine.
Molecular consequence: missense variant. On other transcripts: 5 prime UTR variant (1).
Genome position (GRCh38, 1-based): chr7:45,575,066, G>A. VCF-style: chr7-45575066-G-A. GRCh37 (hg19) VCF-style: chr7-45614665-G-A.
Other names: c.-153G>A (NM_001281768.2); short protein forms A175T.
Identifiers: ClinVar variation 3659292 (VCV003659292.2).

ClinVar aggregate classification (germline): Uncertain significance (1 of 4 stars; one submission).

Submission:

Labcorp Genetics (formerly Invitae), Labcorp
Classification: Uncertain significance. Last evaluated: 2024-07-11. Review status: criteria provided, single submitter. Criteria: Invitae Variant Classification Sherloc (09022015). Collection method: clinical testing. Allele origin: germline.
Comment: This sequence change replaces alanine, which is neutral and non-polar, with threonine, which is neutral and polar, at codon 175 of the ADCY1 protein (p.Ala175Thr). This variant is not present in population databases (gnomAD no frequency). This variant has not been reported in the literature in individuals affected with ADCY1-related conditions. An algorithm developed to predict the effect of missense changes on protein structure and function (PolyPhen-2) suggests that this variant is likely to be tolerated. In summary, the available evidence is currently insufficient to determine the role of this variant in disease. Therefore, it has been classified as a Variant of Uncertain Significance.